The following is an entry in ClinVar:

NM_001148.6(ANK2):c.6085G>C (p.Val2029Leu)

Genes: ANK2 (ankyrin 2; plus strand), LOC126807136 (MED14-independent group 3 enhancer GRCh37_chr4:114274931-114276130; plus strand). Cytogenetic location: 4q26.
Variant type: single nucleotide variant.
Coding change: c.6085G>C on transcript NM_001148.6 (MANE Select); coding-DNA position 6085, G replaced by C.
Protein change: p.Val2029Leu; replaces valine 2029 with leucine.
Molecular consequence: missense variant. On other transcripts: intron variant (68).
Genome position (GRCh38, 1-based): chr4:113,354,703, G>C. VCF-style: chr4-113354703-G-C. GRCh37 (hg19) VCF-style: chr4-114275859-G-C.
Other names: c.5851G>C, p.Val1951Leu (NM_001386142.1); c.2485G>C, p.Val829Leu (NM_001386166.1); c.6226G>C, p.Val2076Leu (NM_001386174.1); c.6202G>C, p.Val2068Leu (NM_001386175.1); c.4411+4454G>C (NM_001386186.2, NM_001386148.2); c.4213+4454G>C (NM_001354269.3); c.4291+4454G>C (NM_001386187.2); c.4252+4454G>C (NM_001386147.1); and 35 more; short protein forms V1951L, V2029L, V2076L, V829L, V2068L.
Identifiers: ClinVar variation 1494624 (VCV001494624.11), dbSNP rs1403186964, ClinGen allele CA357922325.

ClinVar aggregate classification (germline): Conflicting classifications of pathogenicity. Review status: criteria provided, conflicting classifications (1 of 4 stars). 3 submissions from 3 submitters: Uncertain significance (2); Likely benign (1). Last evaluated 2024-10-21.

Conditions:
Brugada syndrome. Also called: Sudden unexpected nocturnal death syndrome; Sudden Unexplained Death Syndrome; Sudden Unexplained Nocturnal Death Syndrome (SUNDS); Sudden unexplained nocturnal death syndrome. Identifiers: Orphanet 130, MedGen C1142166, MONDO:0015263.
Cardiovascular phenotype. Identifiers: MedGen CN230736.
Long QT syndrome (LQTS). Identifiers: MedGen C0023976, MeSH D008133, MONDO:0002442. Disease mechanism: loss of function. Inheritance: Various modes of inheritance.

Allele frequency attached by ClinVar (database versions not stated): gnomAD exomes below 0.00001 and 0.00003; TOPMed 0.00001.

Submissions (3):

Labcorp Genetics (formerly Invitae), Labcorp
Classification: Uncertain significance for Long QT syndrome. Last evaluated: 2024-10-21. Review status: criteria provided, single submitter. Criteria: Invitae Variant Classification Sherloc (09022015). Collection method: clinical testing. Allele origin: germline.
Comment: This sequence change replaces valine, which is neutral and non-polar, with leucine, which is neutral and non-polar, at codon 2029 of the ANK2 protein (p.Val2029Leu). The frequency data for this variant in the population databases is considered unreliable, as metrics indicate poor data quality at this position in the gnomAD database. This variant has not been reported in the literature in individuals affected with ANK2-related conditions. ClinVar contains an entry for this variant (Variation ID: 1494624). Invitae Evidence Modeling of protein sequence and biophysical properties (such as structural, functional, and spatial information, amino acid conservation, physicochemical variation, residue mobility, and thermodynamic stability) indicates that this missense variant is not expected to disrupt ANK2 protein function with a negative predictive value of 80%. In summary, the available evidence is currently insufficient to determine the role of this variant in disease. Therefore, it has been classified as a Variant of Uncertain Significance.

Department of Pathology and Laboratory Medicine, Sinai Health System
Classification: Uncertain significance for Brugada syndrome. Last evaluated: 2021-07-30. Review status: criteria provided, single submitter. Criteria: ACMG Guidelines, 2015. Collection method: research. Allele origin: germline.

Ambry Genetics
Classification: Likely benign for Cardiovascular phenotype. Last evaluated: 2019-03-30. Review status: criteria provided, single submitter. Criteria: Ambry Variant Classification Scheme 2023. Collection method: clinical testing. Allele origin: germline.